The following is an entry in ClinVar:

NM_206933.4(USH2A):c.6677G>A (p.Cys2226Tyr)

Gene: USH2A (usherin; minus strand). Cytogenetic location: 1q41.
Variant type: single nucleotide variant.
Coding change: c.6677G>A on transcript NM_206933.4 (MANE Select); coding-DNA position 6677, G replaced by A.
Protein change: p.Cys2226Tyr; replaces cysteine 2226 with tyrosine.
Molecular consequence: missense variant.
Genome position (GRCh38, 1-based): chr1:215,993,148, C>T on the plus strand (G>A on the coding strand, the complement: USH2A is on the minus strand). VCF-style: chr1-215993148-C-T. GRCh37 (hg19) VCF-style: chr1-216166490-C-T.
Other names: short protein forms C2226Y.
Identifiers: ClinVar variation 842468 (VCV000842468.6), dbSNP rs562492049, ClinGen allele CA1395064.

ClinVar aggregate classification (germline): Uncertain significance. Review status: criteria provided, single submitter (1 of 4 stars). 2 submissions from 2 submitters: Uncertain significance (1). 1 of the submissions does not count toward it. Last evaluated 2024-10-21.

Conditions:
Usher syndrome type 2A. Also called: RETINAL DISEASE IN USHER SYNDROME TYPE IIA, MODIFIER OF; USHER SYNDROME, TYPE IIA. Identifiers: Orphanet 231178, Orphanet 886, MedGen C1848634, MONDO:0010169, OMIM 276901.

Allele frequency attached by ClinVar (database versions not stated): gnomAD below 0.00001 and 0.00005; gnomAD exomes 0.00005 and 0.00010; ExAC 0.00014; 1000 Genomes Project 0.00060; 1000 Genomes Project 30x 0.00078.
gnomAD v4.1: 73 of 1,613,996 alleles (0.0045%); highest among the groups gnomAD compares: South Asian, 0.078%; 1 homozygote.

Submissions (2):

Labcorp Genetics (formerly Invitae), Labcorp
Classification: Uncertain significance. Last evaluated: 2024-10-21. Review status: criteria provided, single submitter. Criteria: Invitae Variant Classification Sherloc (09022015). Collection method: clinical testing. Allele origin: germline.
Comment: This sequence change replaces cysteine, which is neutral and slightly polar, with tyrosine, which is neutral and polar, at codon 2226 of the USH2A protein (p.Cys2226Tyr). This variant is present in population databases (rs562492049, gnomAD 0.08%). This variant has not been reported in the literature in individuals affected with USH2A-related conditions. ClinVar contains an entry for this variant (Variation ID: 842468). Invitae Evidence Modeling of protein sequence and biophysical properties (such as structural, functional, and spatial information, amino acid conservation, physicochemical variation, residue mobility, and thermodynamic stability) indicates that this missense variant is expected to disrupt USH2A protein function with a positive predictive value of 95%. In summary, the available evidence is currently insufficient to determine the role of this variant in disease. Therefore, it has been classified as a Variant of Uncertain Significance.

Natera, Inc.
Classification: Uncertain significance for Usher syndrome type 2A. Last evaluated: 2020-02-26. Review status: no assertion criteria provided. Collection method: clinical testing. Allele origin: germline. Not counted in ClinVar's aggregate classification.